The following is an entry in ClinVar:

ClinVar aggregate classification (germline): Uncertain significance (1 of 4 stars; one submission).

Submission:

Ambry Genetics
Classification: Uncertain significance. Last evaluated: 2021-12-29. Review status: criteria provided, single submitter. Criteria: Ambry Variant Classification Scheme 2023. Collection method: clinical testing. Allele origin: germline.
Comment: The p.L217V variant (also known as c.649C>G), located in coding exon 4 of the MNDA gene, results from a C to G substitution at nucleotide position 649. The leucine at codon 217 is replaced by valine, an amino acid with highly similar properties. This amino acid position is conserved. In addition, this alteration is predicted to be tolerated by in silico analysis. Since supporting evidence is limited at this time, the clinical significance of this alteration remains unclear.

NM_002432.3(MNDA):c.649C>G (p.Leu217Val)

Gene: MNDA (myeloid cell nuclear differentiation antigen; plus strand). Cytogenetic location: 1q23.1.
Variant type: single nucleotide variant.
Coding change: c.649C>G on transcript NM_002432.3 (MANE Select); coding-DNA position 649, C replaced by G.
Protein change: p.Leu217Val; replaces leucine 217 with valine.
Molecular consequence: missense variant.
Genome position (GRCh38, 1-based): chr1:158,845,665, C>G. VCF-style: chr1-158845665-C-G. GRCh37 (hg19) VCF-style: chr1-158815455-C-G.
Other names: short protein forms L217V.
Identifiers: ClinVar variation 1753866 (VCV001753866.2), dbSNP rs1157486940, ClinGen allele CA343040912.